The following is an entry in ClinVar:

ClinVar aggregate classification (germline): Conflicting classifications of pathogenicity. Review status: criteria provided, conflicting classifications (1 of 4 stars). 8 submissions from 8 submitters: Uncertain significance (4); Likely benign (1). 3 of the submissions do not count toward it. Last evaluated 2025-12-12.

Conditions:
LAMA4-related disorder. Also called: LAMA4-related condition.
Cardiovascular phenotype. Identifiers: MedGen CN230736.
Dilated cardiomyopathy 1JJ (CMD1JJ). Identifiers: Orphanet 154, MedGen C3808935, MONDO:0014095, OMIM 615235.

Allele frequency attached by ClinVar (database versions not stated): gnomAD exomes 0.00003 and 0.00004; gnomAD 0.00001; ExAC 0.00007; TOPMed 0.00002.
gnomAD v4.1: 39 of 1,611,908 alleles (0.0024%); highest among the groups gnomAD compares: Middle Eastern, 0.033%; no homozygotes.

Submissions (8):

GeneDx
Classification: Uncertain significance. Last evaluated: 2025-12-12. Review status: criteria provided, single submitter. Criteria: GeneDx Variant Classification Process June 2021. Collection method: clinical testing. Allele origin: germline. Affected: yes.
Comment: Has not been previously published as pathogenic or benign to our knowledge; In silico analysis, which includes protein predictors and evolutionary conservation, supports that this variant does not alter protein structure/function

Labcorp Genetics (formerly Invitae), Labcorp
Classification: Uncertain significance for Dilated cardiomyopathy 1JJ. Last evaluated: 2025-10-01. Review status: criteria provided, single submitter. Criteria: Invitae Variant Classification Sherloc (09022015). Collection method: clinical testing. Allele origin: germline.
Comment: This sequence change replaces asparagine, which is neutral and polar, with serine, which is neutral and polar, at codon 1097 of the LAMA4 protein (p.Asn1097Ser). This variant is present in population databases (rs542157463, gnomAD 0.007%). This variant has not been reported in the literature in individuals affected with LAMA4-related conditions. ClinVar contains an entry for this variant (Variation ID: 213576). An algorithm developed to predict the effect of missense changes on protein structure and function outputs the following: PolyPhen-2: "Benign". The serine amino acid residue is found in multiple mammalian species, which suggests that this missense change does not adversely affect protein function. In summary, the available evidence is currently insufficient to determine the role of this variant in disease. Therefore, it has been classified as a Variant of Uncertain Significance.

Ambry Genetics
Classification: Uncertain significance for Cardiovascular phenotype. Last evaluated: 2025-04-12. Review status: criteria provided, single submitter. Criteria: Ambry Variant Classification Scheme 2023. Collection method: clinical testing. Allele origin: germline.

Blueprint Genetics
Classification: Likely benign. Last evaluated: 2024-11-13. Review status: criteria provided, single submitter. Criteria: ACMG Guidelines, 2015. Collection method: clinical testing. Allele origin: germline.

Fulgent Genetics
Classification: Uncertain significance for Dilated cardiomyopathy 1JJ. Last evaluated: 2021-07-09. Review status: criteria provided, single submitter. Criteria: ACMG Guidelines, 2015. Collection method: clinical testing. Allele origin: unknown.

PreventionGenetics, part of Exact Sciences
Classification: Uncertain significance for LAMA4-related condition. Last evaluated: 2024-08-31. Review status: no assertion criteria provided. Collection method: clinical testing. Allele origin: germline. Not counted in ClinVar's aggregate classification.
Comment: The LAMA4 c.3290A>G variant is predicted to result in the amino acid substitution p.Asn1097Ser. To our knowledge, this variant has not been reported in the literature. This variant is reported in 0.0071% of alleles in individuals of European (Non-Finnish) descent in gnomAD. At this time, the clinical significance of this variant is uncertain due to the absence of conclusive functional and genetic evidence.

Clinical Genetics, Academic Medical Center
Classification: Likely benign. Review status: no assertion criteria provided. Collection method: clinical testing. Allele origin: germline. Affected: yes. Study: VKGL Data-share Consensus. Not counted in ClinVar's aggregate classification.

Genome Diagnostics Laboratory, University Medical Center Utrecht
Classification: Likely benign. Review status: no assertion criteria provided. Collection method: clinical testing. Allele origin: germline. Affected: yes. Study: VKGL Data-share Consensus. Not counted in ClinVar's aggregate classification.

NM_001105206.3(LAMA4):c.3311A>G (p.Asn1104Ser)

Gene: LAMA4 (laminin subunit alpha 4; minus strand). Cytogenetic location: 6q21.
Variant type: single nucleotide variant.
Coding change: c.3311A>G on transcript NM_001105206.3 (MANE Select); coding-DNA position 3311, A replaced by G.
Protein change: p.Asn1104Ser; replaces asparagine 1104 with serine.
Molecular consequence: missense variant.
Genome position (GRCh38, 1-based): chr6:112,136,226, T>C on the plus strand (A>G on the coding strand, the complement: LAMA4 is on the minus strand). VCF-style: chr6-112136226-T-C. GRCh37 (hg19) VCF-style: chr6-112457428-T-C.
Other names: p.N1097S:AAT>AGT; c.3290A>G, p.Asn1097Ser (NM_001105207.3, NM_002290.5); short protein forms N1097S, N1104S.
Identifiers: ClinVar variation 213576 (VCV000213576.16), dbSNP rs542157463, ClinGen allele CA323466.